The following is an entry in ClinVar:

NM_005592.4(MUSK):c.1841A>C (p.Glu614Ala)

Gene: MUSK (muscle associated receptor tyrosine kinase; plus strand). Cytogenetic location: 9q31.3.
Variant type: single nucleotide variant.
Coding change: c.1841A>C on transcript NM_005592.4 (MANE Select); coding-DNA position 1841, A replaced by C.
Protein change: p.Glu614Ala; replaces glutamic acid 614 with alanine.
Molecular consequence: missense variant.
Genome position (GRCh38, 1-based): chr9:110,787,752, A>C. VCF-style: chr9-110787752-A-C. GRCh37 (hg19) VCF-style: chr9-113550032-A-C.
Other names: c.1583A>C, p.Glu528Ala (NM_001166280.2); c.1553A>C, p.Glu518Ala (NM_001166281.2); c.581A>C, p.Glu194Ala (NM_001369398.1); c.1841A>C (NM_005592.3); short protein forms E528A, E194A, E518A, E614A.
Identifiers: ClinVar variation 2143197 (VCV002143197.5), dbSNP rs754559098, ClinGen allele CA5184486.

ClinVar aggregate classification (germline): Uncertain significance. Review status: criteria provided, multiple submitters, no conflicts (2 of 4 stars). 2 submissions from 2 submitters: Uncertain significance (2). Last evaluated 2024-04-01.

Conditions:
Congenital myasthenic syndrome 9. Also called: Myasthenic syndrome, congenital, 9, associated with acetylcholine receptor deficiency. Identifiers: Orphanet 590, MedGen C4225368, MONDO:0014587, OMIM 616325.
Fetal akinesia deformation sequence 1 (FADS1). Also called: Fetal akinesia sequence; Pena-Shokeir syndrome type I. Identifiers: Orphanet 994, MedGen C1276035, MONDO:0100101, OMIM 208150, HP:0001989.
Inborn genetic diseases. Identifiers: MedGen C0950123, MeSH D030342.

Allele frequency attached by ClinVar (database versions not stated): gnomAD 0.00001; gnomAD exomes 0.00001; ExAC 0.00003.
gnomAD v4.1: 14 of 1,613,944 alleles (0.00087%); highest among the groups gnomAD compares: South Asian, 0.0088%; no homozygotes.

Submissions (2):

Ambry Genetics
Classification: Uncertain significance for Inborn genetic diseases. Last evaluated: 2024-04-01. Review status: criteria provided, single submitter. Criteria: Ambry Variant Classification Scheme 2023. Collection method: clinical testing. Allele origin: germline.

Labcorp Genetics (formerly Invitae), Labcorp
Classification: Uncertain significance for Congenital myasthenic syndrome 9; Fetal akinesia deformation sequence 1. Last evaluated: 2022-07-01. Review status: criteria provided, single submitter. Criteria: Invitae Variant Classification Sherloc (09022015). Collection method: clinical testing. Allele origin: germline.
Comment: In summary, the available evidence is currently insufficient to determine the role of this variant in disease. Therefore, it has been classified as a Variant of Uncertain Significance. Algorithms developed to predict the effect of missense changes on protein structure and function (SIFT, PolyPhen-2, Align-GVGD) all suggest that this variant is likely to be disruptive. This variant has not been reported in the literature in individuals affected with MUSK-related conditions. This variant is present in population databases (rs754559098, gnomAD 0.01%). This sequence change replaces glutamic acid, which is acidic and polar, with alanine, which is neutral and non-polar, at codon 614 of the MUSK protein (p.Glu614Ala).